The following is an entry in ClinVar:

ClinVar aggregate classification (germline): Uncertain significance (1 of 4 stars; one submission).

Submission:

Women's Health and Genetics/Laboratory Corporation of America, LabCorp
Classification: Uncertain significance. Last evaluated: 2026-01-13. Review status: criteria provided, single submitter. Criteria: LabCorp Variant Classification Summary - May 2015. Collection method: clinical testing. Allele origin: germline.
Comment: Variant summary: LAMB3 c.2660G>A (p.Arg887His) results in a non-conservative amino acid change in the encoded protein sequence. Algorithms developed to predict the effect of missense changes on protein structure and function are either unavailable or do not agree on the potential impact of this missense change. The variant allele was found at a frequency of 5.6e-05 in 251490 control chromosomes (gnomAD). This frequency is not significantly higher than estimated for disease-causing variants in LAMB3, allowing no conclusion about variant significance. c.2660G>A has been observed in one individual affected with Amelogenesis Imperfecta (Hany_2025). The report does not provide unequivocal conclusions about association of the variant with Junctional Epidermolysis Bullosa. To our knowledge, no experimental evidence demonstrating an impact on protein function has been reported. The following publication have been ascertained in the context of this evaluation (PMID: 40741335). No submitters have cited clinical-significance assessments for this variant to ClinVar. Based on the evidence outlined above, the variant was classified as uncertain significance.

Literature cited by the submitters: PubMed 40741335.

NM_000228.3(LAMB3):c.2660G>A (p.Arg887His)

Gene: LAMB3 (laminin subunit beta 3; minus strand). Cytogenetic location: 1q32.2.
Variant type: single nucleotide variant.
Coding change: c.2660G>A on transcript NM_000228.3 (MANE Select); coding-DNA position 2660, G replaced by A.
Protein change: p.Arg887His; replaces arginine 887 with histidine.
Molecular consequence: missense variant.
Genome position (GRCh38, 1-based): chr1:209,622,577, C>T on the plus strand (G>A on the coding strand, the complement: LAMB3 is on the minus strand). VCF-style: chr1-209622577-C-T. GRCh37 (hg19) VCF-style: chr1-209795922-C-T.
Other names: c.2660G>A, p.Arg887His (NM_001017402.2, NM_001127641.1); short protein forms R887H.
Identifiers: ClinVar variation 4689440 (VCV004689440.1).